The following is an entry in ClinVar:

NM_006767.4(LZTR1):c.2501_2502del (p.Ala834fs)

Gene: LZTR1 (leucine zipper like post translational regulator 1; plus strand). Cytogenetic location: 22q11.21.
Variant type: Deletion.
Coding change: c.2501_2502del on transcript NM_006767.4 (MANE Select); coding-DNA positions 2501 to 2502, 2 bases deleted (CA; older notation c.2501_2502delCA).
Protein change: p.Ala834fs; shifts the reading frame from alanine 834.
Molecular consequence: frameshift variant.
Genome position (GRCh38, 1-based): chr22:20,997,326-20,997,327, CA deleted. VCF-style (leftmost placement, unchanged base first): chr22-20997325-GCA-G. GRCh37 (hg19) VCF-style: chr22-21351614-GCA-G.
Other names: short protein forms A834fs.
Identifiers: ClinVar variation 1320159 (VCV001320159.1), dbSNP rs2147971083, ClinGen allele CA2573054979.

ClinVar aggregate classification (germline): Pathogenic (1 of 4 stars; one submission).

Conditions:
Noonan syndrome 10 (NS10). Identifiers: Orphanet 648, MedGen C4225280, MONDO:0014693, OMIM 616564.

Submission:

3billion
Classification: Pathogenic for Noonan syndrome 10. Last evaluated: 2021-10-02. Review status: criteria provided, single submitter. Criteria: ACMG Guidelines, 2015. Collection method: clinical testing. Allele origin: germline. Affected: yes. Observed: 1 heterozygote.
Comment: Frameshift: predicted to result in a loss or disruption of normal protein function through nonsense-mediated decay (NMD) or protein truncation. Multiple pathogenic variants are reported downstream of the variant (PVS1_VS). The variant was observed as assumed (i.e. paternity and maternity not confirmed) de novoo (3billion dataset, PM6). It is not observed in the gnomAD v2.1.1 dataset (PM2). Therefore, this variant is classified as pathogenic according to the recommendation of ACMG/AMP guideline.